The following is an entry in ClinVar:

ClinVar aggregate classification (germline): Uncertain significance (1 of 4 stars; one submission).

Conditions:
Infantile-onset X-linked spinal muscular atrophy. Also called: AMC, DISTAL, X-LINKED; ARTHROGRYPOSIS, X-LINKED, TYPE I; Spinal muscular atrophy, X-linked 2; SPINAL MUSCULAR ATROPHY, X-LINKED LETHAL INFANTILE; Spinal Muscular Atrophy, X-Linked Infantile. Identifiers: Orphanet 1145, MedGen C1844934, MONDO:0010532, OMIM 301830.

Submission:

Labcorp Genetics (formerly Invitae), Labcorp
Classification: Uncertain significance for Infantile-onset X-linked spinal muscular atrophy. Last evaluated: 2020-01-27. Review status: criteria provided, single submitter. Criteria: Invitae Variant Classification Sherloc (09022015). Collection method: clinical testing. Allele origin: germline.
Comment: In summary, this variant is a novel missense change with uncertain impact on protein function. It has been classified as a Variant of Uncertain Significance. Algorithms developed to predict the effect of missense changes on protein structure and function do not agree on the potential impact of this missense change (SIFT: "Deleterious"; PolyPhen-2: "Probably Damaging"; Align-GVGD: "Class C0"). This variant is not present in population databases (ExAC no frequency) and has not been reported in the literature in individuals with a UBA1-related disease. This sequence change replaces tyrosine with cysteine at codon 618 of the UBA1 protein (p.Tyr618Cys). The tyrosine residue is highly conserved and there is a large physicochemical difference between tyrosine and cysteine.

NM_003334.4(UBA1):c.1853A>G (p.Tyr618Cys)

Gene: UBA1 (ubiquitin like modifier activating enzyme 1; plus strand). Cytogenetic location: Xp11.3.
Variant type: single nucleotide variant.
Coding change: c.1853A>G on transcript NM_003334.4 (MANE Select); coding-DNA position 1853, A replaced by G.
Protein change: p.Tyr618Cys; replaces tyrosine 618 with cysteine.
Molecular consequence: missense variant.
Genome position (GRCh38, 1-based): chrX:47,206,359, A>G. VCF-style: chrX-47206359-A-G. GRCh37 (hg19) VCF-style: chrX-47065758-A-G.
Other names: c.1853A>G, p.Tyr618Cys (NM_153280.3); short protein forms Y618C.
Identifiers: ClinVar variation 465032 (VCV000465032.8), dbSNP rs1556791125, ClinGen allele CA412802978.